The following is an entry in ClinVar:

ClinVar aggregate classification (germline): Uncertain significance (0 of 4 stars; one submission).

Conditions:
SEMA3B-related disorder. Also called: SEMA3B-related condition.

gnomAD v4.1: 1 of 1,492,122 alleles (0.000067%); highest among the groups gnomAD compares: Non-Finnish European, 0.000089%; no homozygotes.

Submission:

PreventionGenetics, part of Exact Sciences
Classification: Uncertain significance for SEMA3B-related condition. Last evaluated: 2024-06-12. Review status: no assertion criteria provided. Collection method: clinical testing. Allele origin: germline.
Comment: The SEMA3B c.1861-7C>A variant is predicted to interfere with splicing. To our knowledge, this variant has not been reported in the literature or in a large population database, indicating this variant is rare. At this time, the clinical significance of this variant is uncertain due to the absence of conclusive functional and genetic evidence.

NM_001290060.2(SEMA3B):c.1846-7C>A

Gene: SEMA3B (semaphorin 3B; plus strand). Cytogenetic location: 3p21.31.
Variant type: single nucleotide variant.
Coding change: c.1846-7C>A on transcript NM_001290060.2 (MANE Select); 7 bases into the intron before coding-DNA position 1846, C replaced by A.
Molecular consequence: intron variant.
Genome position (GRCh38, 1-based): chr3:50,276,295, C>A. VCF-style: chr3-50276295-C-A. GRCh37 (hg19) VCF-style: chr3-50313726-C-A.
Other names: c.1846-7C>A (NM_004636.4); c.1843-7C>A (NM_001005914.3); c.1861-7C>A (NM_001290061.1); c.817-7C>A (NM_001290062.2, NM_001290063.2).
Identifiers: ClinVar variation 3345699 (VCV003345699.1).